The following is an entry in ClinVar:

NM_000179.3(MSH6):c.2420_2421del (p.Glu807fs)

Gene: MSH6 (mutS homolog 6; plus strand). Cytogenetic location: 2p16.3.
Variant type: Deletion.
Coding change: c.2420_2421del on transcript NM_000179.3 (MANE Select); coding-DNA positions 2420 to 2421, 2 bases deleted (AA; older notation c.2420_2421delAA).
Protein change: p.Glu807fs; shifts the reading frame from glutamic acid 807.
Molecular consequence: frameshift variant. On other transcripts: non-coding transcript variant (5), intron variant (3).
Genome position (GRCh38, 1-based): chr2:47,800,403-47,800,404, AA deleted. VCF-style (leftmost placement, unchanged base first): chr2-47800402-GAA-G. GRCh37 (hg19) VCF-style: chr2-48027541-GAA-G.
Other names: c.2030_2031del, p.Glu677fs (NM_001281492.2); c.1514_1515del, p.Glu505fs (NM_001281493.2, NM_001281494.2, NM_001406811.1 and 6 more transcripts); c.2516_2517del, p.Glu839fs (NM_001406795.1, NM_001406802.1); c.2420_2421del, p.Glu807fs (NM_001406796.1, NM_001406798.1, NM_001406800.1 and 2 more transcripts); c.2123_2124del, p.Glu708fs (NM_001406797.1, NM_001406801.1, NM_001406805.1 and 10 more transcripts); c.1895_1896del, p.Glu632fs (NM_001406799.1, NM_001406806.1, NM_001406807.1); c.2342_2343del, p.Glu781fs (NM_001406804.1); c.2426_2427del, p.Glu809fs (NM_001406813.1); and 4 more; short protein forms E505fs, E632fs, E677fs, E708fs, E751fs, E781fs, E807fs, E809fs.
Identifiers: ClinVar variation 2673611 (VCV002673611.1), dbSNP rs2530671362, ClinGen allele CA2695200543.

ClinVar aggregate classification (germline): Pathogenic (1 of 4 stars; one submission).

Conditions:
Lynch syndrome 5 (LYNCH5). Also called: Colorectal cancer, hereditary nonpolyposis, type 5; Hereditary non-polyposis colorectal cancer, type 5. Identifiers: Orphanet 144, MedGen C1833477, MONDO:0013710, OMIM 614350. Disease mechanism: loss of function.

Submission:

Myriad Genetics, Inc.
Classification: Pathogenic for Lynch syndrome 5. Last evaluated: 2023-08-17. Review status: criteria provided, single submitter. Criteria: Myriad Autosomal Dominant, Autosomal Recessive and X-Linked Classification Criteria (2023). Collection method: clinical testing. Allele origin: unknown.
Comment: This variant is considered pathogenic. This variant creates a frameshift predicted to result in premature protein truncation.